The following is an entry in ClinVar:

ClinVar aggregate classification (germline): Conflicting classifications of pathogenicity. Review status: criteria provided, conflicting classifications (1 of 4 stars). 4 submissions from 3 submitters: Uncertain significance (3); Benign (1). Last evaluated 2025-09-15.

Conditions:
Kabuki syndrome. Also called: Kabuki make-up syndrome; NIIKAWA-KUROKI SYNDROME. Identifiers: Orphanet 2322, MedGen C0796004, MONDO:0016512.
Choanal atresia-athelia-hypothyroidism-delayed puberty-short stature syndrome (BCAHH). Also called: BRANCHIAL ARCH ABNORMALITIES, CHOANAL ATRESIA, ATHELIA, HEARING LOSS, AND HYPOTHYROIDISM SYNDROME. Identifiers: Orphanet 589856, MedGen C5680310, MONDO:0035651, OMIM 620186.
Kabuki syndrome 1 (KABUK1). Also called: KMT2D-Related Kabuki Syndrome. Identifiers: Orphanet 2322, MedGen CN030661, MONDO:0007843, OMIM 147920.
KMT2D-related disorder. Also called: KMT2D-Related Disorders.

Allele frequency attached by ClinVar (database versions not stated): gnomAD exomes 0.00001 and 0.00002; ExAC 0.00002; gnomAD 0.00005 and 0.00004; TOPMed 0.00003.
gnomAD v4.1: 22 of 1,613,182 alleles (0.0014%); highest among the groups gnomAD compares: African/African-American, 0.012%; no homozygotes.

Submissions (4):

Labcorp Genetics (formerly Invitae), Labcorp
Classification: Benign for Kabuki syndrome. Last evaluated: 2025-09-15. Review status: criteria provided, single submitter. Criteria: Invitae Variant Classification Sherloc (09022015). Collection method: clinical testing. Allele origin: germline.

PreventionGenetics, part of Exact Sciences
Classification: Uncertain significance for KMT2D-related condition. Last evaluated: 2025-07-17. Review status: criteria provided, single submitter. Criteria: ACMG Guidelines, 2015. Collection method: clinical testing. Allele origin: germline.
Comment: The KMT2D c.7001G>A variant is predicted to result in the amino acid substitution p.Arg2334Gln. This variant has been reported in the heterozygous state in a cohort of patients presenting with hematological cytopenias and primary immune deficiency, but was classified as uncertain (Kim et al. 2019. DOI 10.1182/blood-2019-131468). This variant is reported in 0.0085% of alleles in individuals of Latino descent in gnomAD v2 (as displayed in the table above). However, in gnomAD v4 (available only on GRCh38), this variant is reported in 0.01% of alleles in individuals of African/African American descent and in 22 alleles globally. This population data is not consistent with this variant being a highly penetrant cause of disease. Although we suspect that this variant may be benign, the clinical significance of this variant is classified as uncertain at this time due to insufficient functional and genetic evidence.

Center for Genomics, Ann and Robert H. Lurie Children's Hospital of Chicago
Classification: Uncertain significance for Kabuki syndrome 1. Last evaluated: 2017-08-16. Review status: criteria provided, single submitter. Criteria: ACMG Guidelines, 2015. Collection method: clinical testing. Allele origin: germline.
Comment: KMT2D:NM_003482.3 exon31, p.Arg2334Gln (c.7001G>A): This variant has not been reported in the literature, but is present in 3/34372 Latino chromosomes in the Genome Aggregation Database. Of note, several bird species also have this variant (White Throated Sparrow, Medium Ground Finch, Zebra Finch, and Mallard Duck), suggesting that this variant may not impact the protein. Additional computational prediction tools are limited or unavailable. In summary, data on this variant is insufficient for disease classification. Therefore, the clinical significance of this variant is uncertain.

Center for Genomics, Ann and Robert H. Lurie Children's Hospital of Chicago
Classification: Uncertain significance for Choanal atresia-athelia-hypothyroidism-delayed puberty-short stature syndrome; Kabuki syndrome 1. Review status: criteria provided, single submitter. Criteria: ACMG Guidelines, 2015. Collection method: clinical testing. Allele origin: germline.
Comment: KMT2D:NM_003482:exon31, p.Arg2334Gln (c.7001G>A): This variant has not been reported in the literature, but is present in 3/34372 Latino chromosomes in the Genome Aggregation Database. Of note, several bird species also have this variant (White Throated Sparrow, Medium Ground Finch, Zebra Finch, and Mallard Duck), suggesting that this variant may not impact the protein. Additional computational prediction tools are limited or unavailable. Finally, this variant is paternally inherited and autosomal dominant variants inherited from an unaffected parent are more likely benign although variable penetrance and expressivity cannot be excluded. In summary, data on this variant is insufficient for disease classification. Therefore, the clinical significance of this variant is uncertain

NM_003482.4(KMT2D):c.7001G>A (p.Arg2334Gln)

Gene: KMT2D (lysine methyltransferase 2D; minus strand). Cytogenetic location: 12q13.12.
Variant type: single nucleotide variant.
Coding change: c.7001G>A on transcript NM_003482.4 (MANE Select); coding-DNA position 7001, G replaced by A.
Protein change: p.Arg2334Gln; replaces arginine 2334 with glutamine.
Molecular consequence: missense variant.
Genome position (GRCh38, 1-based): chr12:49,040,769, C>T on the plus strand (G>A on the coding strand, the complement: KMT2D is on the minus strand). VCF-style: chr12-49040769-C-T. GRCh37 (hg19) VCF-style: chr12-49434552-C-T.
Other names: c.7001G>A (NM_003482.3); short protein forms R2334Q.
Identifiers: ClinVar variation 625971 (VCV000625971.8), dbSNP rs757300574, ClinGen allele CA6547141.